The following is an entry in ClinVar:

ClinVar aggregate classification (germline): Uncertain significance (1 of 4 stars; one submission).

Conditions:
Alagille syndrome due to a JAG1 point mutation. Also called: HEPATIC DUCTULAR HYPOPLASIA, SYNDROMATIC; JAG1-Related Alagille Syndrome; Alagille Syndrome 1. Identifiers: Orphanet 261619, Orphanet 52, MedGen C1956125, MONDO:0016862, OMIM 118450.

gnomAD v4.1: 1 of 1,612,390 alleles (0.000062%); highest among the groups gnomAD compares: South Asian, 0.0011%; no homozygotes.

Submission:

Labcorp Genetics (formerly Invitae), Labcorp
Classification: Uncertain significance for Alagille syndrome due to a JAG1 point mutation. Last evaluated: 2024-11-02. Review status: criteria provided, single submitter. Criteria: Invitae Variant Classification Sherloc (09022015). Collection method: clinical testing. Allele origin: germline.
Comment: This sequence change replaces methionine, which is neutral and non-polar, with isoleucine, which is neutral and non-polar, at codon 42 of the JAG1 protein (p.Met42Ile). This variant is not present in population databases (gnomAD no frequency). This variant has not been reported in the literature in individuals affected with JAG1-related conditions. Invitae Evidence Modeling of protein sequence and biophysical properties (such as structural, functional, and spatial information, amino acid conservation, physicochemical variation, residue mobility, and thermodynamic stability) indicates that this missense variant is not expected to disrupt JAG1 protein function with a negative predictive value of 95%. In summary, the available evidence is currently insufficient to determine the role of this variant in disease. Therefore, it has been classified as a Variant of Uncertain Significance.

NM_000214.3(JAG1):c.126G>A (p.Met42Ile)

Gene: JAG1 (jagged canonical Notch ligand 1; minus strand). Cytogenetic location: 20p12.2.
Variant type: single nucleotide variant.
Coding change: c.126G>A on transcript NM_000214.3 (MANE Select); coding-DNA position 126, G replaced by A.
Protein change: p.Met42Ile; replaces methionine 42 with isoleucine.
Molecular consequence: missense variant.
Genome position (GRCh38, 1-based): chr20:10,672,962, C>T on the plus strand (G>A on the coding strand, the complement: JAG1 is on the minus strand). VCF-style: chr20-10672962-C-T. GRCh37 (hg19) VCF-style: chr20-10653610-C-T.
Other names: short protein forms M42I.
Identifiers: ClinVar variation 3609083 (VCV003609083.2).